The following is an entry in ClinVar:

NM_000540.3(RYR1):c.7835+4_7835+5insGGCGGGGCAGGCTTCAGGGTGG

Gene: RYR1 (ryanodine receptor 1; plus strand). Cytogenetic location: 19q13.2.
Variant type: Insertion.
Coding change: c.7835+4_7835+5insGGCGGGGCAGGCTTCAGGGTGG on transcript NM_000540.3 (MANE Select); bases 4 to 5 of the intron after coding-DNA position 7835, GGCGGGGCAGGCTTCAGGGTGG inserted.
Molecular consequence: splice donor variant.
Genome position: GRCh38 VCF-style: chr19-38502726-A-AGGTGGGGCGGGGCAGGCTTCAG. GRCh37 (hg19) VCF-style: chr19-38993366-A-AGGTGGGGCGGGGCAGGCTTCAG.
Other names: c.7835+4_7835+5insGGCGGGGCAGGCTTCAGGGTGG (NM_001042723.2).
Identifiers: ClinVar variation 947006 (VCV000947006.4), dbSNP rs1970195017, ClinGen allele CA1139666423.

ClinVar aggregate classification (germline): Uncertain significance (1 of 4 stars; one submission).

Conditions:
RYR1-related disorder. Also called: RYR1-related disorders; RYR1-related condition. Identifiers: MedGen CN239331.

Submission:

Labcorp Genetics (formerly Invitae), Labcorp
Classification: Uncertain significance for RYR1-related disorder. Last evaluated: 2022-06-04. Review status: criteria provided, single submitter. Criteria: Invitae Variant Classification Sherloc (09022015). Collection method: clinical testing. Allele origin: germline.
Comment: This sequence change falls in intron 48 of the RYR1 gene. It does not directly change the encoded amino acid sequence of the RYR1 protein. It affects a nucleotide within the consensus splice site. This variant is not present in population databases (gnomAD no frequency). This variant has not been reported in the literature in individuals affected with RYR1-related conditions. ClinVar contains an entry for this variant (Variation ID: 947006). Variants that disrupt the consensus splice site are a relatively common cause of aberrant splicing (PMID: 17576681, 9536098). Algorithms developed to predict the effect of sequence changes on RNA splicing suggest that this variant may disrupt the consensus splice site. In summary, the available evidence is currently insufficient to determine the role of this variant in disease. Therefore, it has been classified as a Variant of Uncertain Significance.

Literature cited by the submitters: PubMed 17576681; PubMed 9536098.